The following is an entry in ClinVar:

NM_000126.4(ETFA):c.882+3A>G

Gene: ETFA (electron transfer flavoprotein subunit alpha; minus strand). Cytogenetic location: 15q24.2.
Variant type: single nucleotide variant.
Coding change: c.882+3A>G on transcript NM_000126.4 (MANE Select); 3 bases into the intron after coding-DNA position 882, A replaced by G.
Molecular consequence: intron variant.
Genome position (GRCh38, 1-based): chr15:76,231,330, T>C on the plus strand (A>G on the coding strand, the complement: ETFA is on the minus strand). VCF-style: chr15-76231330-T-C. GRCh37 (hg19) VCF-style: chr15-76523671-T-C.
Other names: c.735+3A>G (NM_001127716.2).
Identifiers: ClinVar variation 2202508 (VCV002202508.1), dbSNP rs1359817327, ClinGen allele CA491297386.
Genomic context (GRCh38, chr15:76,231,330, plus strand): 5'-CAAGGTAAGCCAAATCCTAAAATGTGGAAACGTTTTCTTTTAACATCACTGATGTACAAT[T>C]ACCTTGCTGTCTTTCATCCCAGCTAAATGTTGGATGGCTCCAGATATTCCAACAGCAATA-3'

ClinVar aggregate classification (germline): Uncertain significance (1 of 4 stars; one submission).

Conditions:
Multiple acyl-CoA dehydrogenase deficiency (MADD). Also called: ETHYLMALONIC-ADIPICACIDURIA; GA II; Glutaric aciduria, type 2; Glutaric acidemia type II; GA 2; Glutaric Acidemia type 2. Identifiers: Orphanet 26791, MedGen C0268596, MONDO:0009282, OMIM 231680.

Allele frequency attached by ClinVar (database versions not stated): gnomAD 0.00002; TOPMed 0.00002; gnomAD exomes 0.00003.
gnomAD v4.1: 43 of 1,579,566 alleles (0.0027%); highest among the groups gnomAD compares: Non-Finnish European, 0.0037%; no homozygotes.

Submission:

Labcorp Genetics (formerly Invitae), Labcorp
Classification: Uncertain significance for Multiple acyl-CoA dehydrogenase deficiency. Last evaluated: 2022-02-22. Review status: criteria provided, single submitter. Criteria: Invitae Variant Classification Sherloc (09022015). Collection method: clinical testing. Allele origin: germline.
Comment: This sequence change falls in intron 10 of the ETFA gene. It does not directly change the encoded amino acid sequence of the ETFA protein. It affects a nucleotide within the consensus splice site. This variant is present in population databases (no rsID available, gnomAD 0.002%). This variant has not been reported in the literature in individuals affected with ETFA-related conditions. Variants that disrupt the consensus splice site are a relatively common cause of aberrant splicing (PMID: 17576681, 9536098). Algorithms developed to predict the effect of sequence changes on RNA splicing suggest that this variant is not likely to affect RNA splicing. In summary, the available evidence is currently insufficient to determine the role of this variant in disease. Therefore, it has been classified as a Variant of Uncertain Significance.

Literature cited by the submitters: PubMed 17576681; PubMed 9536098.